The following is an entry in ClinVar:

ClinVar aggregate classification (germline): Uncertain significance (1 of 4 stars; one submission).

Conditions:
Cornelia de Lange syndrome 5 (CDLS5). Also called: HDAC8-Related Cornelia de Lange Syndrome. Identifiers: Orphanet 199, MedGen C3550903, MONDO:0010471, OMIM 300882.

Allele frequency attached by ClinVar (database versions not stated): gnomAD 0.00001; gnomAD exomes 0.00001; ExAC 0.00002.
gnomAD v4.1: 7 of 1,207,550 alleles (0.00058%); highest among the groups gnomAD compares: Non-Finnish European, 0.00078%; no homozygotes.

Submission:

Labcorp Genetics (formerly Invitae), Labcorp
Classification: Uncertain significance for Cornelia de Lange syndrome 5. Last evaluated: 2024-01-08. Review status: criteria provided, single submitter. Criteria: Invitae Variant Classification Sherloc (09022015). Collection method: clinical testing. Allele origin: germline.
Comment: This sequence change replaces alanine, which is neutral and non-polar, with proline, which is neutral and non-polar, at codon 297 of the HDAC8 protein (p.Ala297Pro). This variant is present in population databases (rs781944571, gnomAD 0.002%). This variant has not been reported in the literature in individuals affected with HDAC8-related conditions. Advanced modeling of protein sequence and biophysical properties (such as structural, functional, and spatial information, amino acid conservation, physicochemical variation, residue mobility, and thermodynamic stability) performed at Invitae indicates that this missense variant is not expected to disrupt HDAC8 protein function with a negative predictive value of 80%. In summary, the available evidence is currently insufficient to determine the role of this variant in disease. Therefore, it has been classified as a Variant of Uncertain Significance.

NM_018486.3(HDAC8):c.889G>C (p.Ala297Pro)

Gene: HDAC8 (histone deacetylase 8; minus strand). Cytogenetic location: Xq13.1.
Variant type: single nucleotide variant.
Coding change: c.889G>C on transcript NM_018486.3 (MANE Select); coding-DNA position 889, G replaced by C.
Protein change: p.Ala297Pro; replaces alanine 297 with proline.
Molecular consequence: missense variant. On other transcripts: non-coding transcript variant (1).
Genome position (GRCh38, 1-based): chrX:72,464,580, C>G on the plus strand (G>C on the coding strand, the complement: HDAC8 is on the minus strand). VCF-style: chrX-72464580-C-G. GRCh37 (hg19) VCF-style: chrX-71684430-C-G.
Other names: c.616G>C, p.Ala206Pro (NM_001166418.2, NM_001410728.1); c.889G>C, p.Ala297Pro (NM_001410725.1, NM_001410729.1); c.811G>C, p.Ala271Pro (NM_001410727.1); short protein forms A206P, A271P, A297P.
Identifiers: ClinVar variation 2895517 (VCV002895517.3), dbSNP rs781944571, ClinGen allele CA10450141.